The following is an entry in ClinVar:

ClinVar aggregate classification (germline): Uncertain significance (1 of 4 stars; one submission).

Conditions:
Cardiovascular phenotype. Identifiers: MedGen CN230736.

Submission:

Ambry Genetics
Classification: Uncertain significance for Cardiovascular phenotype. Last evaluated: 2023-11-02. Review status: criteria provided, single submitter. Criteria: Ambry Variant Classification Scheme 2023. Collection method: clinical testing. Allele origin: germline.
Comment: The p.V911G variant (also known as c.2732T>G), located in coding exon 11 of the RBM20 gene, results from a T to G substitution at nucleotide position 2732. The valine at codon 911 is replaced by glycine, an amino acid with dissimilar properties. This amino acid position is conserved. In addition, this alteration is predicted to be deleterious by in silico analysis. Since supporting evidence is limited at this time, the clinical significance of this alteration remains unclear.

NM_001134363.3(RBM20):c.2732T>G (p.Val911Gly)

Gene: RBM20 (RNA binding motif protein 20; plus strand). Cytogenetic location: 10q25.2.
Variant type: single nucleotide variant.
Coding change: c.2732T>G on transcript NM_001134363.3 (MANE Select); coding-DNA position 2732, T replaced by G.
Protein change: p.Val911Gly; replaces valine 911 with glycine.
Molecular consequence: missense variant.
Genome position (GRCh38, 1-based): chr10:110,821,351, T>G. VCF-style: chr10-110821351-T-G. GRCh37 (hg19) VCF-style: chr10-112581109-T-G.
Other names: short protein forms V911G.
Identifiers: ClinVar variation 3233208 (VCV003233208.1), dbSNP rs1590701525, ClinGen allele CA378377342.
Genomic context (GRCh38, chr10:110,821,351, plus strand): 5'-GTGAAAGTGAGGCAGAGGGGGAGAGCTGGTATCCCACTAACATGGAGGAGCTGGTGACAG[T>G]GGACGAGGTTGGGGAAGAAGAAGATTTTATCGTGGAACCAGACATCCCAGAGCTGGAAGA-3'
Protein context (NP_001127835.2, residues 901-921): YPTNMEELVT[Val911Gly]DEVGEEEDFI